The following is an entry in ClinVar:

NM_022725.4(FANCF):c.1082A>G (p.Lys361Arg)

Genes: FANCF (FA complementation group F; minus strand), LOC130005443 (ATAC-STARR-seq lymphoblastoid active region 4533; plus strand). Cytogenetic location: 11p14.3.
Variant type: single nucleotide variant.
Coding change: c.1082A>G on transcript NM_022725.4 (MANE Select); coding-DNA position 1082, A replaced by G.
Protein change: p.Lys361Arg; replaces lysine 361 with arginine.
Molecular consequence: missense variant.
Genome position (GRCh38, 1-based): chr11:22,624,729, T>C on the plus strand (A>G on the coding strand, the complement: FANCF is on the minus strand). VCF-style: chr11-22624729-T-C. GRCh37 (hg19) VCF-style: chr11-22646275-T-C.
Other names: short protein forms K361R.
Identifiers: ClinVar variation 1484711 (VCV001484711.8), dbSNP rs2133796173, ClinGen allele CA380057713.

ClinVar aggregate classification (germline): Uncertain significance (1 of 4 stars; one submission).

Conditions:
Fanconi anemia (FA). Also called: Fanconi's anemia. Identifiers: Orphanet 84, MedGen C0015625, MeSH D005199, MONDO:0019391.

Allele frequency attached by ClinVar (database versions not stated): gnomAD exomes below 0.00001.
gnomAD v4.1: 1 of 1,614,188 alleles (0.000062%); highest among the groups gnomAD compares: South Asian, 0.0011%; no homozygotes.

Submission:

Labcorp Genetics (formerly Invitae), Labcorp
Classification: Uncertain significance for Fanconi anemia. Last evaluated: 2025-11-24. Review status: criteria provided, single submitter. Criteria: Invitae Variant Classification Sherloc (09022015). Collection method: clinical testing. Allele origin: germline.
Comment: This sequence change replaces lysine, which is basic and polar, with arginine, which is basic and polar, at codon 361 of the FANCF protein (p.Lys361Arg). This variant is not present in population databases (gnomAD no frequency). This variant has not been reported in the literature in individuals affected with FANCF-related conditions. ClinVar contains an entry for this variant (Variation ID: 1484711). An algorithm developed to predict the effect of missense changes on protein structure and function outputs the following: PolyPhen-2: "Benign". The arginine amino acid residue is found in multiple mammalian species, which suggests that this missense change does not adversely affect protein function. In summary, the available evidence is currently insufficient to determine the role of this variant in disease. Therefore, it has been classified as a Variant of Uncertain Significance.